The following is an entry in ClinVar:

ClinVar aggregate classification (germline): no classifications from unflagged records. Review status: no classifications from unflagged records (0 of 4 stars). 2 submissions from 2 submitters. 1 of the submissions does not count toward it. Last evaluated 2025-05-01.

Conditions:
Catecholaminergic polymorphic ventricular tachycardia 1. Also called: VENTRICULAR TACHYCARDIA, STRESS-INDUCED POLYMORPHIC 1; VENTRICULAR TACHYCARDIA, CATECHOLAMINERGIC POLYMORPHIC, 1, WITH OR WITHOUT ATRIAL DYSFUNCTION AND/OR DILATED CARDIOMYOPATHY; RYR2-Related Catecholaminergic Polymorphic Ventricular Tachycardia. Identifiers: Orphanet 3286, MedGen C1631597, MONDO:0011484, OMIM 604772.
Catecholaminergic polymorphic ventricular tachycardia 5 (CARDAR). Also called: Ventricular tachycardia, catecholaminergic polymorphic, 5, with or without muscle weakness; CARDIAC ARRHYTHMIA SYNDROME, WITH OR WITHOUT SKELETAL MUSCLE WEAKNESS. Identifiers: Orphanet 3286, MedGen C3809536, MONDO:0014191, OMIM 615441.

Allele frequency attached by ClinVar (database versions not stated): ExAC 0.00008.
gnomAD v4.1: 10 of 1,538,282 alleles (0.00065%); highest among the groups gnomAD compares: South Asian, 0.0099%; no homozygotes.

Submissions (2):

Labcorp Genetics (formerly Invitae), Labcorp
Classification: Likely pathogenic for Catecholaminergic polymorphic ventricular tachycardia 1. Last evaluated: 2023-10-06. Review status: flagged submission. Criteria: Invitae Variant Classification Sherloc (09022015). Collection method: clinical testing. Allele origin: germline.
Comment: This sequence change affects a donor splice site in intron 23 of the TRDN gene. It is expected to disrupt RNA splicing. Variants that disrupt the donor or acceptor splice site typically lead to a loss of protein function (PMID: 16199547), and loss-of-function variants in TRDN are known to be pathogenic (PMID: 22422768, 25922419, 26200674, 30649896). This variant is present in population databases (rs760003782, gnomAD 0.02%). This variant has not been reported in the literature in individuals affected with TRDN-related conditions. Algorithms developed to predict the effect of sequence changes on RNA splicing suggest that this variant may disrupt the consensus splice site. In summary, the currently available evidence indicates that the variant is pathogenic, but additional data are needed to prove that conclusively. Therefore, this variant has been classified as Likely Pathogenic.
ClinVar note: Notes: This variant occurs in exons 9-41 of the MANE Select NM_006073.4 transcript but no valid P/LP variants have been reported due to the predominant transcript in cardiac tissue being one with only 8 exons (NM_001256021.1). Please provide evidence to support this claim.
ClinVar note: Reason: Claim with insufficient supporting evidence

Neuberg Centre For Genomic Medicine, NCGM
Classification: Likely pathogenic for Catecholaminergic polymorphic ventricular tachycardia 5. Review status: flagged submission. Criteria: ACMG Guidelines, 2015. Collection method: clinical testing. Allele origin: germline. Inheritance: Autosomal recessive inheritance. Affected: yes. Not counted in ClinVar's aggregate classification.
Comment: The splice donor c.1471+1G>A variant in TRDN gene has not been reported previously as a pathogenic variant nor as a benign variant, to our knowledge. This variant is reported with the allele frequency of 0.003% in the gnomAD Exomes and novel in 1000 Genomes. The variant affects the GT donor splice site downstream of exon 23. This variant is predicted to cause loss of normal protein function through protein truncation. Loss of function variants have been previously reported to be disease causing. For these reasons, this variant has been classified as Likely Pathogenic.
ClinVar note: Notes: This variant occurs in exons 9-41 of the MANE Select NM_006073.4 transcript but no valid P/LP variants have been reported due to the predominant transcript in cardiac tissue being one with only 8 exons (NM_001256021.1). Please provide evidence to support this claim.
ClinVar note: Reason: Claim with insufficient supporting evidence

Literature cited by the submitters: PubMed 16199547 (cited by Labcorp Genetics (formerly Invitae), Labcorp); PubMed 22422768 (cited by Labcorp Genetics (formerly Invitae), Labcorp); PubMed 25922419 (cited by Labcorp Genetics (formerly Invitae), Labcorp); PubMed 26200674 (cited by Labcorp Genetics (formerly Invitae), Labcorp); PubMed 30649896 (cited by Labcorp Genetics (formerly Invitae), Labcorp).

NM_006073.4(TRDN):c.1471+1G>A

Gene: TRDN (triadin; minus strand). Cytogenetic location: 6q22.31.
Variant type: single nucleotide variant.
Coding change: c.1471+1G>A on transcript NM_006073.4 (MANE Select); the canonical splice donor site of the intron after coding-DNA position 1471, G replaced by A.
Molecular consequence: splice donor variant.
Genome position (GRCh38, 1-based): chr6:123,331,878, C>T on the plus strand (G>A on the coding strand, the complement: TRDN is on the minus strand). VCF-style: chr6-123331878-C-T. GRCh37 (hg19) VCF-style: chr6-123653023-C-T.
Identifiers: ClinVar variation 2909704 (VCV002909704.3), dbSNP rs760003782, ClinGen allele CA3983947.